The following is an entry in ClinVar:

ClinVar aggregate classification (germline): Likely pathogenic (1 of 4 stars; one submission).

Conditions:
Isovaleryl-CoA dehydrogenase deficiency (IVA). Also called: IVD DEFICIENCY; Classic Isovaleric Acidemia; ISOVALERIC ACID CoA DEHYDROGENASE DEFICIENCY; Isovaleric acidemia. Identifiers: Orphanet 33, MedGen C0268575, MONDO:0009475, OMIM 243500.

Submission:

Labcorp Genetics (formerly Invitae), Labcorp
Classification: Likely pathogenic for Isovaleryl-CoA dehydrogenase deficiency. Last evaluated: 2019-05-22. Review status: criteria provided, single submitter. Criteria: Invitae Variant Classification Sherloc (09022015). Collection method: clinical testing. Allele origin: germline.
Comment: This variant is a gross deletion of the genomic region encompassing exons 10-12 of the IVD gene. The 5' boundary is likely confined to intron 9. The 3' end of this event is unknown as it extends through the termination codon beyond the assayed region for this gene and may encompass additional genes. While this deletion is not anticipated to result in nonsense mediated decay, it is expected to create a truncated protein product or disrupt mRNA translation. This variant has not been reported in the literature in individuals with IVD-related conditions. This variant disrupts the p.Asp359 amino acid residue in IVD. Another variant that disrupts this residue has been determined to be pathogenic (Invitae). This suggests that this residue is clinically-significant, and that variants that disrupt this residue are likely to be disease-causing. In summary, the currently available evidence indicates that the variant is pathogenic, but additional data are needed to prove that conclusively. Therefore, this variant has been classified as Likely Pathogenic.

NC_000015.10:g.(?_40416058)_(40418283_?)del

Gene: IVD (isovaleryl-CoA dehydrogenase; plus strand). Cytogenetic location: 15q15.1.
Variant type: Deletion.
Identifiers: ClinVar variation 833205 (VCV000833205.1).